The following is an entry in ClinVar:

NM_000260.4(MYO7A):c.3779T>C (p.Leu1260Ser)

Gene: MYO7A (myosin VIIA; plus strand). Cytogenetic location: 11q13.5.
Variant type: single nucleotide variant.
Coding change: c.3779T>C on transcript NM_000260.4 (MANE Select); coding-DNA position 3779, T replaced by C.
Protein change: p.Leu1260Ser; replaces leucine 1260 with serine.
Molecular consequence: missense variant.
Genome position (GRCh38, 1-based): chr11:77,190,725, T>C. VCF-style: chr11-77190725-T-C. GRCh37 (hg19) VCF-style: chr11-76901770-T-C.
Other names: c.3779T>C, p.Leu1260Ser (NM_001127180.2); c.3746T>C, p.Leu1249Ser (NM_001369365.1); short protein forms L1249S, L1260S.
Identifiers: ClinVar variation 1009524 (VCV001009524.9), dbSNP rs1955997471, ClinGen allele CA381947433.
Genomic context (GRCh38, chr11:77,190,725, plus strand): 5'-GGACCCCACAAACCCTCTTGGGGCACTTCCAGGCCACCAAGTCCAAGAAGCCAATCATGT[T>C]GCCCGTGACATTCATGGATGGGACCACCAAGACCCTGCTGACGGACTCGGCAACCACGGC-3'
Protein context (NP_000251.3, residues 1250-1270): QATKSKKPIM[Leu1260Ser]PVTFMDGTTK

ClinVar aggregate classification (germline): Uncertain significance (1 of 4 stars; one submission).

Submission:

Labcorp Genetics (formerly Invitae), Labcorp
Classification: Uncertain significance. Last evaluated: 2020-05-20. Review status: criteria provided, single submitter. Criteria: Invitae Variant Classification Sherloc (09022015). Collection method: clinical testing. Allele origin: germline.
Comment: In summary, the available evidence is currently insufficient to determine the role of this variant in disease. Therefore, it has been classified as a Variant of Uncertain Significance. Algorithms developed to predict the effect of missense changes on protein structure and function are either unavailable or do not agree on the potential impact of this missense change (SIFT: "Deleterious"; PolyPhen-2: "Probably Damaging"; Align-GVGD: "Class C0"). This variant has not been reported in the literature in individuals with MYO7A-related conditions. This variant is not present in population databases (ExAC no frequency). This sequence change replaces leucine with serine at codon 1260 of the MYO7A protein (p.Leu1260Ser). The leucine residue is highly conserved and there is a large physicochemical difference between leucine and serine.